The following is an entry in ClinVar:

ClinVar aggregate classification (germline): Uncertain significance. Review status: criteria provided, multiple submitters, no conflicts (2 of 4 stars). 3 submissions from 3 submitters: Uncertain significance (3). Last evaluated 2024-07-17.

Conditions:
Inborn genetic diseases. Identifiers: MedGen C0950123, MeSH D030342.

Allele frequency attached by ClinVar (database versions not stated): gnomAD exomes 0.00004 and 0.00012; ExAC 0.00014; ESP Exome Variant Server 0.00015; gnomAD 0.00015 and 0.00016; TOPMed 0.00016.
gnomAD v4.1: 82 of 1,613,938 alleles (0.0051%); highest among the groups gnomAD compares: Middle Eastern, 0.066%; no homozygotes.

Submissions (3):

Blueprint Genetics
Classification: Uncertain significance. Last evaluated: 2024-07-17. Review status: criteria provided, single submitter. Criteria: ACMG Guidelines, 2015. Collection method: clinical testing. Allele origin: germline.

Labcorp Genetics (formerly Invitae), Labcorp
Classification: Uncertain significance. Last evaluated: 2022-07-12. Review status: criteria provided, single submitter. Criteria: Invitae Variant Classification Sherloc (09022015). Collection method: clinical testing. Allele origin: germline.
Comment: This sequence change replaces arginine, which is basic and polar, with histidine, which is basic and polar, at codon 480 of the TBCE protein (p.Arg480His). This variant is present in population databases (rs137865306, gnomAD 0.07%). This variant has not been reported in the literature in individuals affected with TBCE-related conditions. ClinVar contains an entry for this variant (Variation ID: 1471918). Algorithms developed to predict the effect of missense changes on protein structure and function are either unavailable or do not agree on the potential impact of this missense change (SIFT: "Deleterious"; PolyPhen-2: "Benign"; Align-GVGD: "Class C0"). In summary, the available evidence is currently insufficient to determine the role of this variant in disease. Therefore, it has been classified as a Variant of Uncertain Significance.

Ambry Genetics
Classification: Uncertain significance for Inborn genetic diseases. Last evaluated: 2021-06-30. Review status: criteria provided, single submitter. Criteria: Ambry Variant Classification Scheme 2023. Collection method: clinical testing. Allele origin: germline.

NM_003193.5(TBCE):c.1439G>A (p.Arg480His)

Genes: B3GALNT2 (beta-1,3-N-acetylgalactosaminyltransferase 2; minus strand), TBCE (tubulin folding cofactor E; plus strand). Cytogenetic location: 1q42.3.
Variant type: single nucleotide variant.
Coding change: c.1439G>A on transcript NM_003193.5 (MANE Select); coding-DNA position 1439, G replaced by A.
Protein change: p.Arg480His; replaces arginine 480 with histidine.
Molecular consequence: missense variant. On other transcripts: 3 prime UTR variant (1).
Genome position (GRCh38, 1-based): chr1:235,448,388, G>A. VCF-style: chr1-235448388-G-A. GRCh37 (hg19) VCF-style: chr1-235611703-G-A.
Other names: c.*1818C>T (NM_152490.5); c.1439G>A, p.Arg480His (NM_001079515.3); c.1592G>A, p.Arg531His (NM_001287801.2); c.1100G>A, p.Arg367His (NM_001287802.2); short protein forms R367H, R480H, R531H.
Identifiers: ClinVar variation 1471918 (VCV001471918.5), dbSNP rs137865306, ClinGen allele CA1464483.
Genomic context (GRCh38, chr1:235,448,388, plus strand): 5'-ACTTTTCTTGTCTTTTGATAGGCTCCATGACAATTCAAAAGGTGAAGGGATTGCTGTCAC[G>A]TCTTCTCAAAGTTCCTGTGTCAGACCTTCTGTTGTCCTATGAAAGTCCCAAAGTAAGTTG-3'
Protein context (NP_003184.1, residues 470-490): TIQKVKGLLS[Arg480His]LLKVPVSDLL